The following is an entry in ClinVar:

ClinVar aggregate classification (germline): Uncertain significance. Review status: criteria provided, multiple submitters, no conflicts (2 of 4 stars). 2 submissions from 2 submitters: Uncertain significance (2). Last evaluated 2023-12-27.

Conditions:
Inborn genetic diseases. Identifiers: MedGen C0950123, MeSH D030342.
Short-rib thoracic dysplasia 8 with or without polydactyly (SRTD8). Also called: SHORT-RIB THORACIC DYSPLASIA 8 WITH POLYDACTYLY. Identifiers: Orphanet 93271, MedGen C3809691, MONDO:0014214, OMIM 615503.

Allele frequency attached by ClinVar (database versions not stated): gnomAD exomes 0.00001; TOPMed 0.00001.
gnomAD v4.1: 18 of 1,613,978 alleles (0.0011%); highest among the groups gnomAD compares: Non-Finnish European, 0.0015%; no homozygotes.

Submissions (2):

Ambry Genetics
Classification: Uncertain significance for Inborn genetic diseases. Last evaluated: 2023-12-27. Review status: criteria provided, single submitter. Criteria: Ambry Variant Classification Scheme 2023. Collection method: clinical testing. Allele origin: germline.

Labcorp Genetics (formerly Invitae), Labcorp
Classification: Uncertain significance for Short-rib thoracic dysplasia 8 with or without polydactyly. Last evaluated: 2021-09-24. Review status: criteria provided, single submitter. Criteria: Invitae Variant Classification Sherloc (09022015). Collection method: clinical testing. Allele origin: germline.
Comment: This sequence change replaces glutamic acid with aspartic acid at codon 407 of the WDR60 protein (p.Glu407Asp). The glutamic acid residue is moderately conserved and there is a small physicochemical difference between glutamic acid and aspartic acid. This variant is not present in population databases (ExAC no frequency). This variant has not been reported in the literature in individuals affected with WDR60-related conditions. Algorithms developed to predict the effect of missense changes on protein structure and function are either unavailable or do not agree on the potential impact of this missense change (SIFT: "Tolerated"; PolyPhen-2: "Possibly Damaging"; Align-GVGD: "Class C0"). In summary, the available evidence is currently insufficient to determine the role of this variant in disease. Therefore, it has been classified as a Variant of Uncertain Significance.

NM_018051.5(DYNC2I1):c.1221A>C (p.Glu407Asp)

Gene: DYNC2I1 (dynein 2 intermediate chain 1; plus strand). Cytogenetic location: 7q36.3.
Variant type: single nucleotide variant.
Coding change: c.1221A>C on transcript NM_018051.5 (MANE Select); coding-DNA position 1221, A replaced by C.
Protein change: p.Glu407Asp; replaces glutamic acid 407 with aspartic acid.
Molecular consequence: missense variant. On other transcripts: 5 prime UTR variant (3).
Genome position (GRCh38, 1-based): chr7:158,902,459, A>C. VCF-style: chr7-158902459-A-C. GRCh37 (hg19) VCF-style: chr7-158695150-A-C.
Other names: c.1083A>C, p.Glu361Asp (NM_001350914.2); c.648A>C, p.Glu216Asp (NM_001350915.2); c.-138A>C (NM_001350916.2); c.-146A>C (NM_001350917.2, NM_001350918.2); c.1221A>C (NM_018051.4); short protein forms E216D, E361D, E407D.
Identifiers: ClinVar variation 1680666 (VCV001680666.6), dbSNP rs1846346410, ClinGen allele CA370187802.